The following is an entry in ClinVar:

ClinVar aggregate classification (germline): Likely benign (1 of 4 stars; one submission).

Allele frequency attached by ClinVar (database versions not stated): 1000 Genomes Project 30x 0.00031; ESP Exome Variant Server 0.00071; gnomAD 0.00073; TOPMed 0.00074; ExAC 0.00087.
gnomAD v4.1: 1,222 of 1,483,424 alleles (0.082%); highest among the groups gnomAD compares: Non-Finnish European, 0.089%; 2 homozygotes.

Submission:

CeGaT Center for Human Genetics Tuebingen
Classification: Likely benign. Last evaluated: 2022-10-01. Review status: criteria provided, single submitter. Criteria: CeGaT Center For Human Genetics Tuebingen Variant Classification Criteria Version 2. Collection method: clinical testing. Allele origin: germline. Affected: yes. Observed: 1 variant allele.
Comment: PLA2G4D: BP4, BP7

NM_178034.4(PLA2G4D):c.2157C>T (p.Pro719=)

Gene: PLA2G4D (phospholipase A2 group IVD; minus strand). Cytogenetic location: 15q15.1.
Variant type: single nucleotide variant.
Coding change: c.2157C>T on transcript NM_178034.4 (MANE Select); coding-DNA position 2157, C replaced by T.
Protein change: p.Pro719=; no amino-acid change (proline 719 retained).
Molecular consequence: synonymous variant.
Genome position (GRCh38, 1-based): chr15:42,069,982, G>A on the plus strand (C>T on the coding strand, the complement: PLA2G4D is on the minus strand). VCF-style: chr15-42069982-G-A. GRCh37 (hg19) VCF-style: chr15-42362180-G-A.
Identifiers: ClinVar variation 2645232 (VCV002645232.24), dbSNP rs148968286, ClinGen allele CA7506102.